The following is an entry in ClinVar:

ClinVar aggregate classification (germline): Likely benign. Review status: criteria provided, multiple submitters, no conflicts (2 of 4 stars). 2 submissions from 2 submitters: Likely benign (2). Last evaluated 2026-01-09.

Conditions:
COL4A5-related disorder. Also called: COL4A5-related condition.

Allele frequency attached by ClinVar (database versions not stated): ExAC 0.00001; gnomAD exomes 0.00001.
gnomAD v4.1: 11 of 1,209,960 alleles (0.00091%); highest among the groups gnomAD compares: Non-Finnish European, 0.0011%; no homozygotes.

Submissions (2):

Labcorp Genetics (formerly Invitae), Labcorp
Classification: Likely benign. Last evaluated: 2026-01-09. Review status: criteria provided, single submitter. Criteria: Invitae Variant Classification Sherloc (09022015). Collection method: clinical testing. Allele origin: germline.

PreventionGenetics, part of Exact Sciences
Classification: Likely benign for COL4A5-related condition. Last evaluated: 2024-10-07. Review status: criteria provided, single submitter. Criteria: ACMG Guidelines, 2015. Collection method: clinical testing. Allele origin: germline.
Comment: This variant is classified as likely benign based on ACMG/AMP sequence variant interpretation guidelines (Richards et al. 2015 PMID: 25741868, with internal and published modifications).

NM_033380.3(COL4A5):c.2640A>T (p.Pro880=)

Gene: COL4A5 (collagen type IV alpha 5 chain; plus strand). Cytogenetic location: Xq22.3.
Variant type: single nucleotide variant.
Coding change: c.2640A>T on transcript NM_033380.3 (MANE Select); coding-DNA position 2640, A replaced by T.
Protein change: p.Pro880=; no amino-acid change (proline 880 retained).
Molecular consequence: synonymous variant.
Genome position (GRCh38, 1-based): chrX:108,620,389, A>T. VCF-style: chrX-108620389-A-T. GRCh37 (hg19) VCF-style: chrX-107863619-A-T.
Other names: c.2640A>T (NM_000495.4); c.2640A>T, p.Pro880= (NM_000495.5).
Identifiers: ClinVar variation 1077973 (VCV001077973.10), dbSNP rs749949606, ClinGen allele CA10488954.
Genomic context (GRCh38, chrX:108,620,389, plus strand): 5'-TGAAAGAGGCAGTCCAGGGATCCCCGGAGCACCTGGTCCTATAGGACCTCCAGGATCACC[A>T]GGGCTTCCAGGAAAAGCAGGTGCCTCTGGATTTCCAGGTAATTTGTTTAAAGTTTTCTCT-3'
Protein context (NP_203699.1, residues 870-890): APGPIGPPGS[Pro880=]GLPGKAGASG